The following is an entry in ClinVar:

ClinVar aggregate classification (germline): Uncertain significance (1 of 4 stars; one submission).

Conditions:
Charcot-Marie-Tooth disease type 4. Also called: Charcot-Marie-Tooth disease, type IV; Charcot-Marie-Tooth, Type 4. Identifiers: Orphanet 64749, MedGen C4082197, MONDO:0018995.

Submission:

Labcorp Genetics (formerly Invitae), Labcorp
Classification: Uncertain significance for Charcot-Marie-Tooth disease type 4. Last evaluated: 2024-10-28. Review status: criteria provided, single submitter. Criteria: Invitae Variant Classification Sherloc (09022015). Collection method: clinical testing. Allele origin: germline.
Comment: This sequence change replaces asparagine, which is neutral and polar, with serine, which is neutral and polar, at codon 178 of the MTMR2 protein (p.Asn178Ser). This variant is not present in population databases (gnomAD no frequency). This variant has not been reported in the literature in individuals affected with MTMR2-related conditions. ClinVar contains an entry for this variant (Variation ID: 1497469). Invitae Evidence Modeling of protein sequence and biophysical properties (such as structural, functional, and spatial information, amino acid conservation, physicochemical variation, residue mobility, and thermodynamic stability) indicates that this missense variant is not expected to disrupt MTMR2 protein function with a negative predictive value of 80%. In summary, the available evidence is currently insufficient to determine the role of this variant in disease. Therefore, it has been classified as a Variant of Uncertain Significance.

NM_016156.6(MTMR2):c.533A>G (p.Asn178Ser)

Gene: MTMR2 (myotubularin related protein 2; minus strand). Cytogenetic location: 11q21.
Variant type: single nucleotide variant.
Coding change: c.533A>G on transcript NM_016156.6 (MANE Select); coding-DNA position 533, A replaced by G.
Protein change: p.Asn178Ser; replaces asparagine 178 with serine.
Molecular consequence: missense variant.
Genome position (GRCh38, 1-based): chr11:95,858,568, T>C on the plus strand (A>G on the coding strand, the complement: MTMR2 is on the minus strand). VCF-style: chr11-95858568-T-C. GRCh37 (hg19) VCF-style: chr11-95591732-T-C.
Other names: c.317A>G, p.Asn106Ser (NM_001243571.2, NM_201278.3, NM_201281.3); short protein forms N178S, N106S.
Identifiers: ClinVar variation 1497469 (VCV001497469.8), dbSNP rs1055618502, ClinGen allele CA382428392.
Genomic context (GRCh38, chr11:95,858,568, plus strand): 5'-TCCAAAGACAGGAAACATTTTACCAGGTTATTAGAGACAGGAAATGCATATTTCATTAGA[T>C]TCTCAAATATGGATCTTCTTGTCCGCCCCTCAGGTTTATGAGCAAATCGTAAATTCCTAA-3'
Protein context (NP_057240.3, residues 168-188): EGRTRRSIFE[Asn178Ser]LMKYAFPVSN